The following is an entry in ClinVar:

NM_014141.6(CNTNAP2):c.451_452del (p.Gln151fs)

Gene: CNTNAP2 (contactin associated protein 2; plus strand). Cytogenetic location: 7q35.
Variant type: Deletion.
Coding change: c.451_452del on transcript NM_014141.6 (MANE Select); coding-DNA positions 451 to 452, 2 bases deleted (CA; older notation c.451_452delCA).
Protein change: p.Gln151fs; shifts the reading frame from glutamine 151.
Molecular consequence: frameshift variant.
Genome position (GRCh38, 1-based): chr7:147,043,955-147,043,956, CA deleted; deleting any 2 consecutive bases within chr7:147,043,954-147,043,956 gives the same sequence; the c. name uses the placement nearest the transcript's 3' end. VCF-style (leftmost placement, unchanged base first): chr7-147043953-TAC-T. GRCh37 (hg19) VCF-style: chr7-146741045-TAC-T.
Other names: short protein forms Q151fs.
Identifiers: ClinVar variation 4731749 (VCV004731749.1).

ClinVar aggregate classification (germline): Pathogenic (1 of 4 stars; one submission).

Conditions:
Cortical dysplasia-focal epilepsy syndrome (PTHSL1). Also called: Pitt-Hopkins-like syndrome 1. Identifiers: Orphanet 163681, Orphanet 221150, MedGen C2750246, MONDO:0012400, OMIM 610042.

Submission:

Labcorp Genetics (formerly Invitae), Labcorp
Classification: Pathogenic for Cortical dysplasia-focal epilepsy syndrome. Last evaluated: 2025-11-23. Review status: criteria provided, single submitter. Criteria: Invitae Variant Classification Sherloc (09022015). Collection method: clinical testing. Allele origin: germline.
Comment: This sequence change creates a premature translational stop signal (p.Gln151Alafs*26) in the CNTNAP2 gene. It is expected to result in an absent or disrupted protein product. Loss-of-function variants in CNTNAP2 are known to be pathogenic (PMID: 19896112, 21827697, 25045150, 26843181, 27439707). This variant is not present in population databases (gnomAD no frequency). This variant has not been reported in the literature in individuals affected with CNTNAP2-related conditions. For these reasons, this variant has been classified as Pathogenic.

Literature cited by the submitters: PubMed 19896112; PubMed 21827697; PubMed 25045150; PubMed 26843181; PubMed 27439707.